The following is an entry in ClinVar:

NM_022489.4(INF2):c.1950-10C>T

Gene: INF2 (inverted formin 2; plus strand). Cytogenetic location: 14q32.33.
Variant type: single nucleotide variant.
Coding change: c.1950-10C>T on transcript NM_022489.4 (MANE Select); 10 bases into the intron before coding-DNA position 1950, C replaced by T.
Molecular consequence: intron variant.
Genome position (GRCh38, 1-based): chr14:104,709,271, C>T. VCF-style: chr14-104709271-C-T. GRCh37 (hg19) VCF-style: chr14-105175608-C-T.
Other names: p.?; c.1950-10C>T (NM_001031714.4).
Identifiers: ClinVar variation 384620 (VCV000384620.50), dbSNP rs199987321, ClinGen allele CA7372761.

ClinVar aggregate classification (germline): Benign/Likely benign. Review status: criteria provided, multiple submitters, no conflicts (2 of 4 stars). 10 submissions from 10 submitters: Benign (7); Likely benign (3). Last evaluated 2025-12-22.

Conditions:
Charcot-Marie-Tooth disease dominant intermediate E. Also called: CHARCOT-MARIE-TOOTH NEUROPATHY WITH FOCAL SEGMENTAL GLOMERULONEPHRITIS. Identifiers: Orphanet 93114, MedGen C4302667, MONDO:0013758, OMIM 614455.
Focal segmental glomerulosclerosis 5 (FSGS5). Identifiers: Orphanet 656, MedGen C2750475, MONDO:0013191, OMIM 613237.

Allele frequency attached by ClinVar (database versions not stated): 1000 Genomes Project 30x 0.00031; 1000 Genomes Project 0.00040; gnomAD 0.00081 and 0.00082; TOPMed 0.00081; ESP Exome Variant Server 0.00131.
gnomAD v4.1: 2,201 of 1,609,682 alleles (0.14%); highest among the groups gnomAD compares: Non-Finnish European, 0.17%; 1 homozygote.

Submissions (10):

Labcorp Genetics (formerly Invitae), Labcorp
Classification: Benign for Charcot-Marie-Tooth disease dominant intermediate E; Focal segmental glomerulosclerosis 5. Last evaluated: 2025-12-22. Review status: criteria provided, single submitter. Criteria: Invitae Variant Classification Sherloc (09022015). Collection method: clinical testing. Allele origin: germline.

Women's Health and Genetics/Laboratory Corporation of America, LabCorp
Classification: Benign. Last evaluated: 2025-09-08. Review status: criteria provided, single submitter. Criteria: LabCorp Variant Classification Summary - May 2015. Collection method: clinical testing. Allele origin: germline.

Blueprint Genetics
Classification: Likely benign. Last evaluated: 2024-11-13. Review status: criteria provided, single submitter. Criteria: ACMG Guidelines, 2015. Collection method: clinical testing. Allele origin: germline.

Mayo Clinic Laboratories, Mayo Clinic
Classification: Benign. Last evaluated: 2024-10-30. Review status: criteria provided, single submitter. Criteria: ACMG Guidelines, 2015. Collection method: clinical testing. Allele origin: germline. Observed: 7 variant alleles.
Comment: BS1, BS2, BP4, BP7

CeGaT Center for Human Genetics Tuebingen
Classification: Benign. Last evaluated: 2022-08-01. Review status: criteria provided, single submitter. Criteria: CeGaT Center For Human Genetics Tuebingen Variant Classification Criteria Version 2. Collection method: clinical testing. Allele origin: germline. Affected: yes. Observed: 2 variant alleles.
Comment: INF2: BS1, BS2

Athena Diagnostics
Classification: Benign. Last evaluated: 2021-01-12. Review status: criteria provided, single submitter. Criteria: Athena Diagnostics criteria. Collection method: clinical testing. Allele origin: unknown.

ARUP Laboratories, Molecular Genetics and Genomics, ARUP Laboratories
Classification: Likely benign. Last evaluated: 2020-08-10. Review status: criteria provided, single submitter. Criteria: ARUP Molecular Germline Variant Investigation Process. Collection method: clinical testing. Allele origin: germline.

GeneDx
Classification: Benign. Last evaluated: 2018-11-15. Review status: criteria provided, single submitter. Criteria: GeneDx Variant Classification Process June 2021. Collection method: clinical testing. Allele origin: germline. Affected: yes.

Illumina Laboratory Services, Illumina
Classification: Benign for Focal segmental glomerulosclerosis 5. Last evaluated: 2018-01-12. Review status: criteria provided, single submitter. Criteria: ICSL Variant Classification Criteria 13 December 2019. Collection method: clinical testing. Allele origin: germline.
Comment: This variant was observed in the ICSL laboratory as part of a predisposition screen in an ostensibly healthy population. It had not been previously curated by ICSL or reported in the Human Gene Mutation Database (HGMD: prior to June 1st, 2018), and was therefore a candidate for classification through an automated scoring system. Utilizing variant allele frequency, disease prevalence and penetrance estimates, and inheritance mode, an automated score was calculated to assess if this variant is too frequent to cause the disease. Based on the score and internal cut-off values, a variant classified as benign is not then subjected to further curation. The score for this variant resulted in a classification of benign for this disease.

Breakthrough Genomics
Classification: Likely benign. Review status: criteria provided, single submitter. Criteria: ACMG Guidelines, 2015. Collection method: not provided. Allele origin: germline. Inheritance: Autosomal dominant inheritance. Affected: yes.